The following is an entry in ClinVar:

ClinVar aggregate classification (germline): Uncertain significance (1 of 4 stars; one submission).

Conditions:
Kabuki syndrome. Also called: NIIKAWA-KUROKI SYNDROME; Kabuki make-up syndrome. Identifiers: Orphanet 2322, MedGen C0796004, MONDO:0016512.

Submission:

Labcorp Genetics (formerly Invitae), Labcorp
Classification: Uncertain significance for Kabuki syndrome. Last evaluated: 2025-01-22. Review status: criteria provided, single submitter. Criteria: Invitae Variant Classification Sherloc (09022015). Collection method: clinical testing. Allele origin: germline.
Comment: This sequence change replaces methionine, which is neutral and non-polar, with leucine, which is neutral and non-polar, at codon 5135 of the KMT2D protein (p.Met5135Leu). This variant is not present in population databases (gnomAD no frequency). This variant has not been reported in the literature in individuals affected with KMT2D-related conditions. Invitae Evidence Modeling of protein sequence and biophysical properties (such as structural, functional, and spatial information, amino acid conservation, physicochemical variation, residue mobility, and thermodynamic stability) indicates that this missense variant is not expected to disrupt KMT2D protein function with a negative predictive value of 95%. In summary, the available evidence is currently insufficient to determine the role of this variant in disease. Therefore, it has been classified as a Variant of Uncertain Significance.

NM_003482.4(KMT2D):c.15403A>T (p.Met5135Leu)

Gene: KMT2D (lysine methyltransferase 2D; minus strand). Cytogenetic location: 12q13.12.
Variant type: single nucleotide variant.
Coding change: c.15403A>T on transcript NM_003482.4 (MANE Select); coding-DNA position 15403, A replaced by T.
Protein change: p.Met5135Leu; replaces methionine 5135 with leucine.
Molecular consequence: missense variant.
Genome position (GRCh38, 1-based): chr12:49,026,563, T>A on the plus strand (A>T on the coding strand, the complement: KMT2D is on the minus strand). VCF-style: chr12-49026563-T-A. GRCh37 (hg19) VCF-style: chr12-49420346-T-A.
Other names: short protein forms M5135L.
Identifiers: ClinVar variation 3683878 (VCV003683878.2).